The following is an entry in ClinVar:

ClinVar aggregate classification (germline): Likely benign. Review status: criteria provided, multiple submitters, no conflicts (2 of 4 stars). 4 submissions from 4 submitters: Likely benign (4). Last evaluated 2026-04-14.

Conditions:
Cardiovascular phenotype. Identifiers: MedGen CN230736.
Cardiomyopathy (CMYO). Also called: Cardiomyopathies. Identifiers: Orphanet 167848, MedGen C0878544, MONDO:0004994, HP:0001638. Inheritance: Various modes of inheritance.
Hypertrophic cardiomyopathy. Also called: HYPERTROPHIC MYOCARDIOPATHY. Identifiers: Orphanet 217569, MedGen C0007194, MeSH D002312, MONDO:0005045, HP:0001639.

gnomAD v4.1: 2 of 1,614,132 alleles (0.00012%); highest among the groups gnomAD compares: Non-Finnish European, 0.00017%; no homozygotes.

Submissions (4):

Ambry Genetics
Classification: Likely benign for Cardiovascular phenotype. Last evaluated: 2026-04-14. Review status: criteria provided, single submitter. Criteria: Ambry Variant Classification Scheme 2023. Collection method: clinical testing. Allele origin: germline.

Labcorp Genetics (formerly Invitae), Labcorp
Classification: Likely benign for Hypertrophic cardiomyopathy. Last evaluated: 2023-09-19. Review status: criteria provided, single submitter. Criteria: Invitae Variant Classification Sherloc (09022015). Collection method: clinical testing. Allele origin: germline.

All of Us Research Program, National Institutes of Health
Classification: Likely benign for Cardiomyopathy. Last evaluated: 2023-03-09. Review status: criteria provided, single submitter. Criteria: ACMG Guidelines, 2015. Collection method: clinical testing. Allele origin: germline. Inheritance: Autosomal dominant inheritance. Observed: 1 variant allele, 1 heterozygote.
Comment: This study involves interpretation of variants in research participants for the purpose of population health screening. Participant phenotype was not available at the time of variant classification. Additional details can be found in publication PMID: 35346344, PMCID: PMC8962531

Color Diagnostics, LLC DBA Color Health
Classification: Likely benign for Cardiomyopathy. Last evaluated: 2019-08-19. Review status: criteria provided, single submitter. Criteria: ACMG Guidelines, 2015. Collection method: clinical testing. Allele origin: germline.

NM_000257.4(MYH7):c.210C>A (p.Thr70=)

Gene: MYH7 (myosin heavy chain 7; minus strand). Cytogenetic location: 14q11.2.
Variant type: single nucleotide variant.
Coding change: c.210C>A on transcript NM_000257.4 (MANE Select); coding-DNA position 210, C replaced by A.
Protein change: p.Thr70=; no amino-acid change (threonine 70 retained).
Molecular consequence: synonymous variant.
Genome position (GRCh38, 1-based): chr14:23,433,219, G>T on the plus strand (C>A on the coding strand, the complement: MYH7 is on the minus strand). VCF-style: chr14-23433219-G-T. GRCh37 (hg19) VCF-style: chr14-23902428-G-T.
Identifiers: ClinVar variation 920474 (VCV000920474.7), dbSNP rs774429242, ClinGen allele CA485627001.